The following is an entry in ClinVar:

NM_004466.6(GPC5):c.557G>T (p.Ser186Ile)

Gene: GPC5 (glypican 5; plus strand). Cytogenetic location: 13q31.3.
Variant type: single nucleotide variant.
Coding change: c.557G>T on transcript NM_004466.6 (MANE Select); coding-DNA position 557, G replaced by T.
Protein change: p.Ser186Ile; replaces serine 186 with isoleucine.
Molecular consequence: missense variant.
Genome position (GRCh38, 1-based): chr13:91,693,418, G>T. VCF-style: chr13-91693418-G-T. GRCh37 (hg19) VCF-style: chr13-92345672-G-T.
Other names: c.557G>T (NM_004466.4); short protein forms S186I.
Identifiers: ClinVar variation 3046562 (VCV003046562.3), dbSNP rs137912074, ClinGen allele CA7016348.
Genomic context (GRCh38, chr13:91,693,418, plus strand): 5'-TTTTTGACAGTCTTTTTCCTCTGGTCTACAACCACCTCATTAACCCTGGTGTGACTGACA[G>T]TTCCCTGGAATACTCAGAATGCATCCGGATGGCTCGCCGGGATGTGAGTCCATTTGGTAA-3'
Protein context (NP_004457.1, residues 176-196): NHLINPGVTD[Ser186Ile]SLEYSECIRM

ClinVar aggregate classification (germline): Uncertain significance. Review status: criteria provided, single submitter (1 of 4 stars). 2 submissions from 2 submitters: Uncertain significance (1). 1 of the submissions does not count toward it. Last evaluated 2025-08-06.

Conditions:
GPC5-related disorder. Also called: GPC5-related condition.

Allele frequency attached by ClinVar (database versions not stated): gnomAD exomes 0.00010; ExAC 0.00030; ESP Exome Variant Server 0.00077; gnomAD 0.00089; 1000 Genomes Project 30x 0.00109; 1000 Genomes Project 0.00120; TOPMed 0.00125.
gnomAD v4.1: 292 of 1,614,124 alleles (0.018%); highest among the groups gnomAD compares: African/African-American, 0.35%; no homozygotes.

Submissions (2):

Ambry Genetics
Classification: Uncertain significance. Last evaluated: 2025-08-06. Review status: criteria provided, single submitter. Criteria: Ambry Variant Classification Scheme 2023. Collection method: clinical testing. Allele origin: germline.

PreventionGenetics, part of Exact Sciences
Classification: Likely benign for GPC5-related condition. Last evaluated: 2022-02-09. Review status: no assertion criteria provided. Collection method: clinical testing. Allele origin: germline. Not counted in ClinVar's aggregate classification.
Comment: This variant is classified as likely benign based on ACMG/AMP sequence variant interpretation guidelines (Richards et al. 2015 PMID: 25741868, with internal and published modifications).